The following is an entry in ClinVar:

NM_001199138.2(NLRC4):c.2927A>G (p.Glu976Gly)

Gene: NLRC4 (NLR family CARD domain containing 4; minus strand). Cytogenetic location: 2p22.3.
Variant type: single nucleotide variant.
Coding change: c.2927A>G on transcript NM_001199138.2 (MANE Select); coding-DNA position 2927, A replaced by G.
Protein change: p.Glu976Gly; replaces glutamic acid 976 with glycine.
Molecular consequence: missense variant.
Genome position (GRCh38, 1-based): chr2:32,224,621, T>C on the plus strand (A>G on the coding strand, the complement: NLRC4 is on the minus strand). VCF-style: chr2-32224621-T-C. GRCh37 (hg19) VCF-style: chr2-32449690-T-C.
Other names: c.2927A>G, p.Glu976Gly (NM_001199139.2, NM_021209.5); c.932A>G, p.Glu311Gly (NM_001302504.2); short protein forms E976G, E311G.
Identifiers: ClinVar variation 1460824 (VCV001460824.6), dbSNP rs775671534, ClinGen allele CA1601644.

ClinVar aggregate classification (germline): Uncertain significance (1 of 4 stars; one submission).

Conditions:
Familial cold autoinflammatory syndrome 4 (FCAS4). Identifiers: Orphanet 47045, Orphanet 576349, MedGen C4015276, MONDO:0014498, OMIM 616115.
Periodic fever-infantile enterocolitis-autoinflammatory syndrome. Also called: Autoinflammation with infantile enterocolitis. Identifiers: Orphanet 436166, MedGen C4015067, MONDO:0014472, OMIM 616050.

Allele frequency attached by ClinVar (database versions not stated): gnomAD exomes below 0.00001; ExAC 0.00001.
gnomAD v4.1: 3 of 1,613,970 alleles (0.00019%); highest among the groups gnomAD compares: South Asian, 0.0022%; no homozygotes.

Submission:

Labcorp Genetics (formerly Invitae), Labcorp
Classification: Uncertain significance for Periodic fever-infantile enterocolitis-autoinflammatory syndrome; Familial cold autoinflammatory syndrome 4. Last evaluated: 2025-02-03. Review status: criteria provided, single submitter. Criteria: Invitae Variant Classification Sherloc (09022015). Collection method: clinical testing. Allele origin: germline.
Comment: This sequence change replaces glutamic acid, which is acidic and polar, with glycine, which is neutral and non-polar, at codon 976 of the NLRC4 protein (p.Glu976Gly). This variant is not present in population databases (gnomAD no frequency). This variant has not been reported in the literature in individuals affected with NLRC4-related conditions. ClinVar contains an entry for this variant (Variation ID: 1460824). Invitae Evidence Modeling of protein sequence and biophysical properties (such as structural, functional, and spatial information, amino acid conservation, physicochemical variation, residue mobility, and thermodynamic stability) indicates that this missense variant is not expected to disrupt NLRC4 protein function with a negative predictive value of 80%. In summary, the available evidence is currently insufficient to determine the role of this variant in disease. Therefore, it has been classified as a Variant of Uncertain Significance.